The following is an entry in ClinVar:

NM_001458.5(FLNC):c.5468C>T (p.Thr1823Met)

Genes: FLNC (filamin C; plus strand), FLNC-AS1 (FLNC antisense RNA 1; minus strand). Cytogenetic location: 7q32.1.
Variant type: single nucleotide variant.
Coding change: c.5468C>T on transcript NM_001458.5 (MANE Select); coding-DNA position 5468, C replaced by T.
Protein change: p.Thr1823Met; replaces threonine 1823 with methionine.
Molecular consequence: missense variant.
Genome position (GRCh38, 1-based): chr7:128,850,872, C>T. VCF-style: chr7-128850872-C-T. GRCh37 (hg19) VCF-style: chr7-128490926-C-T.
Other names: p.Thr1823Met; c.5369C>T, p.Thr1790Met (NM_001127487.2); short protein forms T1823M, T1790M.
Identifiers: ClinVar variation 569766 (VCV000569766.20), dbSNP rs140857707, ClinGen allele CA4475705.

ClinVar aggregate classification (germline): Conflicting classifications of pathogenicity. Review status: criteria provided, conflicting classifications (1 of 4 stars). 9 submissions from 9 submitters: Uncertain significance (4); Likely benign (2). 3 of the submissions do not count toward it. Last evaluated 2026-01-24.

Conditions:
Myofibrillar myopathy 5. Also called: Filaminopathy (type); FILAMINOPATHY, AUTOSOMAL DOMINANT. Identifiers: Orphanet 171445, MedGen C1836050, MONDO:0012289, OMIM 609524.
Hypertrophic cardiomyopathy 26. Also called: Cardiomyopathy, familial hypertrophic, 26. Identifiers: Orphanet 75249, MedGen C4310749, MONDO:0014883, OMIM 617047.
Distal myopathy with posterior leg and anterior hand involvement. Also called: WILLIAMS DISTAL MYOPATHY. Identifiers: Orphanet 63273, MedGen C3279722, MONDO:0013550, OMIM 614065.
Cardiovascular phenotype. Identifiers: MedGen CN230736.

Allele frequency attached by ClinVar (database versions not stated): gnomAD exomes 0.00002 and 0.00004; ExAC 0.00005; gnomAD 0.00006 and 0.00009; TOPMed 0.00006; 1000 Genomes Project 0.00060; 1000 Genomes Project 30x 0.00062.
gnomAD v4.1: 37 of 1,613,326 alleles (0.0023%); highest among the groups gnomAD compares: East Asian, 0.025%; no homozygotes.

Submissions (9):

Labcorp Genetics (formerly Invitae), Labcorp
Classification: Likely benign for Distal myopathy with posterior leg and anterior hand involvement; Myofibrillar myopathy 5; Hypertrophic cardiomyopathy 26. Last evaluated: 2026-01-24. Review status: criteria provided, single submitter. Criteria: Invitae Variant Classification Sherloc (09022015). Collection method: clinical testing. Allele origin: germline.

Mayo Clinic Laboratories, Mayo Clinic
Classification: Uncertain significance. Last evaluated: 2025-01-15. Review status: criteria provided, single submitter. Criteria: ACMG Guidelines, 2015. Collection method: clinical testing. Allele origin: germline. Observed: 1 variant allele.

Revvity Omics, Revvity
Classification: Uncertain significance. Last evaluated: 2025-01-08. Review status: criteria provided, single submitter. Criteria: ACMG Guidelines, 2015. Collection method: clinical testing. Allele origin: germline.

Ambry Genetics
Classification: Uncertain significance for Cardiovascular phenotype. Last evaluated: 2025-01-07. Review status: criteria provided, single submitter. Criteria: Ambry Variant Classification Scheme 2023. Collection method: clinical testing. Allele origin: germline.
Comment: The p.T1823M variant (also known as c.5468C>T), located in coding exon 33 of the FLNC gene, results from a C to T substitution at nucleotide position 5468. The threonine at codon 1823 is replaced by methionine, an amino acid with similar properties. This alteration has been reported in a myofibrillar myopathy cohort in an individual with a normal cardiac evaluation (Luo YB et al. Front Neurol, 2020 Sep;11:1014). This amino acid position is highly conserved in available vertebrate species. In addition, this alteration is predicted to be deleterious by in silico analysis. Since supporting evidence is limited at this time, the clinical significance of this alteration remains unclear.

Blueprint Genetics
Classification: Likely benign. Last evaluated: 2023-05-22. Review status: criteria provided, single submitter. Criteria: ACMG Guidelines, 2015. Collection method: clinical testing. Allele origin: germline.

Fulgent Genetics
Classification: Uncertain significance for Myofibrillar myopathy 5; Distal myopathy with posterior leg and anterior hand involvement; Hypertrophic cardiomyopathy 26. Last evaluated: 2021-11-01. Review status: criteria provided, single submitter. Criteria: ACMG Guidelines, 2015. Collection method: clinical testing. Allele origin: unknown.

Genome Diagnostics Laboratory, University Medical Center Utrecht
Classification: Uncertain significance. Review status: no assertion criteria provided. Collection method: clinical testing. Allele origin: germline. Affected: yes. Study: VKGL Data-share Consensus. Not counted in ClinVar's aggregate classification.

Joint Genome Diagnostic Labs from Nijmegen and Maastricht, Radboudumc and MUMC+
Classification: Uncertain significance. Review status: no assertion criteria provided. Collection method: clinical testing. Allele origin: germline. Affected: yes. Study: VKGL Data-share Consensus. Not counted in ClinVar's aggregate classification.

Laboratory of Diagnostic Genome Analysis, Leiden University Medical Center (LUMC)
Classification: Uncertain significance. Review status: no assertion criteria provided. Collection method: clinical testing. Allele origin: germline. Affected: yes. Study: VKGL Data-share Consensus. Not counted in ClinVar's aggregate classification.

Literature cited by the submitters: PubMed 33041974 (cited by Mayo Clinic Laboratories, Mayo Clinic and Ambry Genetics); PubMed 35026164 (cited by Ambry Genetics).